The following is an entry in ClinVar:

ClinVar aggregate classification (germline): Uncertain significance (1 of 4 stars; one submission).

Submission:

Seattle Children's Hospital Molecular Genetics Laboratory, Seattle Children's Hospital
Classification: Uncertain significance. Review status: criteria provided, single submitter. Criteria: ACMG Guidelines, 2015. Collection method: clinical testing. Allele origin: unknown. Affected: yes.
Comment: The p.Tyr264Phe variant substitutes the tyrosine for phenylalanine at position 264 of the protein. This variant is not reported in the Genome Aggregation Database (approx. 251,400  alleles; v2.1), nor has the variant been reported in the literature or patient databases (ClinVar and HGMD). This is not an evolutionary conserved residue and most in silico tools predict the p.Tyr264Phe is a benign change (7 benign predictions from DANN, DEOGEN2, EIGEN, M-CAP, MVP, PrimateAI and REVEL versus 4 pathogenic predictions from FATHMM-MKL, MutationAssessor, MutationTaster and SIFT).

NM_021951.3(DMRT1):c.791A>T (p.Tyr264Phe)

Genes: DMRT1 (doublesex and mab-3 related transcription factor 1; plus strand), LOC130001446 (ATAC-STARR-seq lymphoblastoid active region 28121; plus strand). Cytogenetic location: 9p24.3.
Variant type: single nucleotide variant.
Coding change: c.791A>T on transcript NM_021951.3 (MANE Select); coding-DNA position 791, A replaced by T.
Protein change: p.Tyr264Phe; replaces tyrosine 264 with phenylalanine.
Molecular consequence: missense variant.
Genome position (GRCh38, 1-based): chr9:894,164, A>T. VCF-style: chr9-894164-A-T. GRCh37 (hg19) VCF-style: chr9-894164-A-T.
Other names: c.317A>T, p.Tyr106Phe (NM_001363767.1); short protein forms Y106F, Y264F.
Identifiers: ClinVar variation 1676594 (VCV001676594.2), dbSNP rs2132652504, ClinGen allele CA372777125.